The following is an entry in ClinVar:

NM_001368894.2(PAX6):c.220T>A (p.Tyr74Asn)

Gene: PAX6 (paired box 6; minus strand). Cytogenetic location: 11p13.
Variant type: single nucleotide variant.
Coding change: c.220T>A on transcript NM_001368894.2 (MANE Select); coding-DNA position 220, T replaced by A.
Protein change: p.Tyr74Asn; replaces tyrosine 74 with asparagine.
Molecular consequence: missense variant. On other transcripts: 5 prime UTR variant (14), non-coding transcript variant (2), intron variant (8).
Genome position (GRCh38, 1-based): chr11:31,801,740, A>T on the plus strand (T>A on the coding strand, the complement: PAX6 is on the minus strand). VCF-style: chr11-31801740-A-T. GRCh37 (hg19) VCF-style: chr11-31823288-A-T.
Other names: c.178T>A, p.Tyr60Asn (NM_000280.6, NM_001127612.3, NM_001258464.2 and 10 more transcripts); c.220T>A, p.Tyr74Asn (NM_001258462.3, NM_001258463.2, NM_001310158.2 and 6 more transcripts); c.-562T>A (NM_001310160.2, NM_001368902.2, NM_001368905.2); c.-231T>A (NM_001310161.3, NM_001368899.2, NM_001368900.2 and 8 more transcripts); c.421T>A, p.Tyr141Asn (NM_001368910.2); c.223T>A, p.Tyr75Asn (NM_001368911.2); c.295T>A, p.Tyr99Asn (NM_001368918.2, NM_001368919.2); c.253T>A, p.Tyr85Asn (NM_001368920.2); and 2 more; short protein forms Y141N, Y60N, Y74N, Y75N, Y85N, Y99N.
Identifiers: ClinVar variation 1275858 (VCV001275858.1), dbSNP rs2496149378, ClinGen allele CA379959026.
Genomic context (GRCh38, chr11:31,801,740, plus strand): 5'-TCGCTACTCTCGGTTTACTACCACCGATTGCCCTGGGTCTGATGGAGCCAGTCTCGTAAT[A>T]CCTGCCCAGAATTTTACTCACACATCCGTTGGACACCTGCATAGGGGAAGTGGACAGAAA-3'
Protein context (NP_001355823.1, residues 64-84): NGCVSKILGR[Tyr74Asn]YETGSIRPRA

ClinVar aggregate classification (germline): Likely pathogenic (1 of 4 stars; one submission).

Submission:

GeneDx
Classification: Likely pathogenic. Last evaluated: 2021-09-08. Review status: criteria provided, single submitter. Criteria: GeneDx Variant Classification Process June 2021. Collection method: clinical testing. Allele origin: germline. Affected: yes.
Comment: Not observed at significant frequency in large population cohorts (Lek et al., 2016); In silico analysis supports that this missense variant has a deleterious effect on protein structure/function; Has not been previously published as pathogenic or benign to our knowledge; This variant is associated with the following publications: (PMID: 7867071, 32360764, 27535533)